The following is an entry in ClinVar:

ClinVar aggregate classification (germline): Benign. Review status: criteria provided, multiple submitters, no conflicts (2 of 4 stars). 3 submissions from 3 submitters: Benign (3). Last evaluated 2026-01-27.

Allele frequency attached by ClinVar (database versions not stated): gnomAD exomes 0.00157 and 0.00696; TOPMed 0.00566; 1000 Genomes Project 0.00579; 1000 Genomes Project 30x 0.00640; ESP Exome Variant Server 0.00008; gnomAD 0.00373 and 0.00361; ExAC 0.00473.
gnomAD v4.1: 2,858 of 1,613,790 alleles (0.18%); highest among the groups gnomAD compares: Admixed American, 4.5%; 63 homozygotes.

Submissions (3):

Labcorp Genetics (formerly Invitae), Labcorp
Classification: Benign. Last evaluated: 2026-01-27. Review status: criteria provided, single submitter. Criteria: Invitae Variant Classification Sherloc (09022015). Collection method: clinical testing. Allele origin: germline.

Mayo Clinic Laboratories, Mayo Clinic
Classification: Benign. Last evaluated: 2024-10-30. Review status: criteria provided, single submitter. Criteria: ACMG Guidelines, 2015. Collection method: clinical testing. Allele origin: germline. Observed: 2 variant alleles.
Comment: BS1, BS2, BP4, BP7

Breakthrough Genomics
Classification: Benign. Review status: criteria provided, single submitter. Criteria: ACMG Guidelines, 2015. Collection method: not provided. Allele origin: germline. Inheritance: Autosomal dominant inheritance. Affected: yes.

NM_021999.5(ITM2B):c.324A>G (p.Pro108=)

Gene: ITM2B (integral membrane protein 2B; plus strand). Cytogenetic location: 13q14.2.
Variant type: single nucleotide variant.
Coding change: c.324A>G on transcript NM_021999.5 (MANE Select); coding-DNA position 324, A replaced by G.
Protein change: p.Pro108=; no amino-acid change (proline 108 retained).
Molecular consequence: synonymous variant.
Genome position (GRCh38, 1-based): chr13:48,256,254, A>G. VCF-style: chr13-48256254-A-G. GRCh37 (hg19) VCF-style: chr13-48830390-A-G.
Other names: p.Pro108=.
Identifiers: ClinVar variation 770236 (VCV000770236.12), dbSNP rs9332284, ClinGen allele CA6978751.
Genomic context (GRCh38, chr13:48,256,254, plus strand): 5'-CTGTGGAATAAAGTACATCAAAGATGATGTCATCTTAAATGAGCCCTCTGCAGATGCCCC[A>G]GCTGCTCTCTACCAGACAATTGAAGAAAATATTAAAATCTTTGAAGAAGAAGAAGTTGAA-3'
Protein context (NP_068839.1, residues 98-118): VILNEPSADA[Pro108=]AALYQTIEEN